The following is an entry in ClinVar:

ClinVar aggregate classification (germline): Benign/Likely benign. Review status: criteria provided, multiple submitters, no conflicts (2 of 4 stars). 5 submissions from 5 submitters: Benign (1); Likely benign (4). Last evaluated 2024-08-27.

Conditions:
Hereditary cancer-predisposing syndrome. Also called: Hereditary Cancer Syndrome; Tumor predisposition; Neoplastic Syndromes, Hereditary; Hereditary neoplastic syndrome. Identifiers: Orphanet 140162, MedGen C0027672, MeSH D009386, MONDO:0015356.
Familial cancer of breast. Also called: BREAST CANCER, FAMILIAL; Hereditary breast cancer; hereditary breast carcinoma. Identifiers: Orphanet 227535, MedGen C0346153, MONDO:0016419, OMIM 114480. Disease mechanism: loss of function.
Fanconi anemia complementation group J. Also called: BRIP1-Related Fanconi Anemia. Identifiers: Orphanet 84, MedGen C1836860, MONDO:0012187, OMIM 609054.

Allele frequency attached by ClinVar (database versions not stated): gnomAD exomes below 0.00001.
gnomAD v4.1: 2 of 1,609,164 alleles (0.00012%); highest among the groups gnomAD compares: Non-Finnish European, 0.00017%; no homozygotes.

Submissions (5):

Myriad Genetics, Inc.
Classification: Benign for Familial cancer of breast. Last evaluated: 2024-08-27. Review status: criteria provided, single submitter. Criteria: Myriad Autosomal Dominant, Autosomal Recessive and X-Linked Classification Criteria (2023). Collection method: clinical testing. Allele origin: unknown.
Comment: This variant is considered benign. This variant is a silent/synonymous amino acid change and it is not expected to impact splicing.

Sema4
Classification: Likely benign for Hereditary cancer-predisposing syndrome. Last evaluated: 2021-04-16. Review status: criteria provided, single submitter. Criteria: Sema4 Curation Guidelines. Collection method: curation. Allele origin: germline.

Labcorp Genetics (formerly Invitae), Labcorp
Classification: Likely benign for Familial cancer of breast; Fanconi anemia complementation group J. Last evaluated: 2019-06-06. Review status: criteria provided, single submitter. Criteria: Invitae Variant Classification Sherloc (09022015). Collection method: clinical testing. Allele origin: germline.

Ambry Genetics
Classification: Likely benign for Hereditary cancer-predisposing syndrome. Last evaluated: 2017-12-22. Review status: criteria provided, single submitter. Criteria: Ambry Variant Classification Scheme 2023. Collection method: clinical testing. Allele origin: germline.

GeneDx
Classification: Likely benign. Last evaluated: 2017-05-04. Review status: criteria provided, single submitter. Criteria: GeneDx Variant Classification (06012015). Collection method: clinical testing. Allele origin: germline. Affected: yes.
Comment: This variant is considered likely benign or benign based on one or more of the following criteria: it is a conservative change, it occurs at a poorly conserved position in the protein, it is predicted to be benign by multiple in silico algorithms, and/or has population frequency not consistent with disease.

NM_032043.3(BRIP1):c.1422C>T (p.Leu474=)

Gene: BRIP1 (BRCA1 interacting DNA helicase 1; minus strand). Cytogenetic location: 17q23.2.
Variant type: single nucleotide variant.
Coding change: c.1422C>T on transcript NM_032043.3 (MANE Select); coding-DNA position 1422, C replaced by T.
Protein change: p.Leu474=; no amino-acid change (leucine 474 retained).
Molecular consequence: synonymous variant.
Genome position (GRCh38, 1-based): chr17:61,793,648, G>A on the plus strand (C>T on the coding strand, the complement: BRIP1 is on the minus strand). VCF-style: chr17-61793648-G-A. GRCh37 (hg19) VCF-style: chr17-59871009-G-A.
Identifiers: ClinVar variation 509355 (VCV000509355.16), dbSNP rs1555605898, ClinGen allele CA501151277.